The following is an entry in ClinVar:

ClinVar aggregate classification (germline): Uncertain significance (0 of 4 stars; one submission).

Conditions:
Prostate cancer. Also called: Malignant tumor of prostate. Identifiers: Orphanet 1331, MedGen C0376358, MONDO:0008315, HP:0012125.

Submission:

Science for Life laboratory,  Karolinska Institutet
Classification: Uncertain significance for Malignant tumor of prostate. Review status: no assertion criteria provided. Collection method: not provided. Allele origin: somatic.
Comment: TumorID:SWE-13
ClinVar note: Converted during submission from Unknown to Uncertain significance.

NM_001352913.2(PPP2R5C):c.880C>G (p.Leu294Val)

Gene: PPP2R5C (protein phosphatase 2 regulatory subunit B'gamma; plus strand). Cytogenetic location: 14q32.31.
Variant type: single nucleotide variant.
Coding change: c.880C>G on transcript NM_001352913.2 (MANE Select); coding-DNA position 880, C replaced by G.
Protein change: p.Leu294Val; replaces leucine 294 with valine.
Molecular consequence: missense variant.
Genome position (GRCh38, 1-based): chr14:101,893,025, C>G. VCF-style: chr14-101893025-C-G. GRCh37 (hg19) VCF-style: chr14-102359362-C-G.
Other names: c.715C>G, p.Leu239Val (NM_178586.3, NM_178587.3, NM_001352912.1 and 1 more transcripts); c.808C>G, p.Leu270Val (NM_001161725.2); c.880C>G, p.Leu294Val (NM_001161726.2); c.895C>G, p.Leu299Val (NM_001352914.2); c.490C>G, p.Leu164Val (NM_001352915.2, NM_001352916.2); short protein forms L239V, L270V, L294V, L164V, L299V.
Identifiers: ClinVar variation 161840 (VCV000161840.2), dbSNP rs193920829, ClinGen allele CA174886.